The following is an entry in ClinVar:

ClinVar aggregate classification (germline): Uncertain significance (1 of 4 stars; one submission).

Conditions:
Charcot-Marie-Tooth disease type 4. Also called: Charcot-Marie-Tooth disease, type IV; Charcot-Marie-Tooth, Type 4. Identifiers: Orphanet 64749, MedGen C4082197, MONDO:0018995.

Allele frequency attached by ClinVar (database versions not stated): gnomAD 0.00001; gnomAD exomes 0.00001; TOPMed below 0.00001; ExAC 0.00001.
gnomAD v4.1: 3 of 1,610,620 alleles (0.00019%); highest among the groups gnomAD compares: Admixed American, 0.005%; no homozygotes.

Submission:

Labcorp Genetics (formerly Invitae), Labcorp
Classification: Uncertain significance for Charcot-Marie-Tooth disease type 4. Last evaluated: 2021-08-30. Review status: criteria provided, single submitter. Criteria: Invitae Variant Classification Sherloc (09022015). Collection method: clinical testing. Allele origin: germline.
Comment: This sequence change replaces alanine with valine at codon 849 of the SBF2 protein (p.Ala849Val). The alanine residue is moderately conserved and there is a small physicochemical difference between alanine and valine. This variant is present in population databases (rs751319241, ExAC 0.009%). This variant has not been reported in the literature in individuals affected with SBF2-related conditions. Algorithms developed to predict the effect of missense changes on protein structure and function are either unavailable or do not agree on the potential impact of this missense change (SIFT: "Tolerated"; PolyPhen-2: "Possibly Damaging"; Align-GVGD: "Class C0"). In summary, the available evidence is currently insufficient to determine the role of this variant in disease. Therefore, it has been classified as a Variant of Uncertain Significance.

NM_030962.4(SBF2):c.2546C>T (p.Ala849Val)

Genes: SBF2 (SET binding factor 2; minus strand), LOC101928008 (uncharacterized LOC101928008; plus strand). Cytogenetic location: 11p15.4.
Variant type: single nucleotide variant.
Coding change: c.2546C>T on transcript NM_030962.4 (MANE Select); coding-DNA position 2546, C replaced by T.
Protein change: p.Ala849Val; replaces alanine 849 with valine.
Molecular consequence: missense variant.
Genome position (GRCh38, 1-based): chr11:9,852,740, G>A on the plus strand (C>T on the coding strand, the complement: SBF2 is on the minus strand). VCF-style: chr11-9852740-G-A. GRCh37 (hg19) VCF-style: chr11-9874287-G-A.
Other names: c.2546C>T, p.Ala849Val (NM_001386339.1); c.2417C>T, p.Ala806Val (NM_001386342.1); short protein forms A849V, A806V.
Identifiers: ClinVar variation 837842 (VCV000837842.7), dbSNP rs751319241, ClinGen allele CA5881529.
Genomic context (GRCh38, chr11:9,852,740, plus strand): 5'-TGAATAGGCGGAAGTCTTCTGCTTTCTCGATGTACTGCTTCTAGGGTCTCAATGTGCATA[G>A]CTACAATTCCTAGGATGAGTCAGAGTATTCAAAATGAAAGAACACAGACAAGCAGGATAA-3'
Protein context (NP_112224.1, residues 839-859): SLHCMIPGIV[Ala849Val]MHIETLEAVH